The following is an entry in ClinVar:

ClinVar aggregate classification (germline): Uncertain significance (1 of 4 stars; one submission).

Submission:

Labcorp Genetics (formerly Invitae), Labcorp
Classification: Uncertain significance. Last evaluated: 2025-10-21. Review status: criteria provided, single submitter. Criteria: Invitae Variant Classification Sherloc (09022015). Collection method: clinical testing. Allele origin: germline.
Comment: This sequence change replaces tryptophan, which is neutral and slightly polar, with cysteine, which is neutral and slightly polar, at codon 583 of the IFT88 protein (p.Trp583Cys). This variant is not present in population databases (gnomAD no frequency). This variant has not been reported in the literature in individuals affected with IFT88-related conditions. ClinVar contains an entry for this variant (Variation ID: 1350014). An algorithm developed to predict the effect of missense changes on protein structure and function (PolyPhen-2) suggests that this variant is likely to be tolerated. Algorithms developed to predict the effect of sequence changes on RNA splicing suggest that this variant may disrupt the consensus splice site. In summary, the available evidence is currently insufficient to determine the role of this variant in disease. Therefore, it has been classified as a Variant of Uncertain Significance.

NM_006531.5(IFT88):c.1722G>T (p.Trp574Cys)

Gene: IFT88 (intraflagellar transport 88; plus strand). Cytogenetic location: 13q12.11.
Variant type: single nucleotide variant.
Coding change: c.1722G>T on transcript NM_006531.5 (MANE Select); coding-DNA position 1722, G replaced by T.
Protein change: p.Trp574Cys; replaces tryptophan 574 with cysteine.
Molecular consequence: missense variant. On other transcripts: non-coding transcript variant (4).
Genome position (GRCh38, 1-based): chr13:20,643,494, G>T. VCF-style: chr13-20643494-G-T. GRCh37 (hg19) VCF-style: chr13-21217633-G-T.
Other names: c.1665G>T, p.Trp555Cys (NM_001318491.2, NM_001353575.2); c.1749G>T, p.Trp583Cys (NM_001318493.2, NM_175605.5, NM_001353565.2 and 2 more transcripts); c.1647G>T, p.Trp549Cys (NM_001353576.2, NM_001353577.2, NM_001353569.2 and 1 more transcripts); c.1620G>T, p.Trp540Cys (NM_001353578.2, NM_001353571.2); c.1089G>T, p.Trp363Cys (NM_001353579.2); c.1722G>T, p.Trp574Cys (NM_001353568.2, NM_001353572.2); c.1578G>T, p.Trp526Cys (NM_001353573.2); c.1563G>T, p.Trp521Cys (NM_001353574.2); short protein forms W549C, W521C, W540C, W583C, W363C, W526C, W555C, W574C.
Identifiers: ClinVar variation 1350014 (VCV001350014.6), dbSNP rs2140331603, ClinGen allele CA387474220.
Genomic context (GRCh38, chr13:20,643,494, plus strand): 5'-CCTTAACTGACATTGCATAAGATATGAATTAATGGAAAATCCCAGTCAAGCTATTGAATG[G>T]CTAATGCAGGTGGTCAGTGTTATTCCAACCGATCCTCAAGTTTTATCTAAGCTAGGAGAA-3'
Protein context (NP_006522.2, residues 564-584): LMENPSQAIE[Trp574Cys]LMQVVSVIPT